The following is an entry in ClinVar:

NM_001330260.2(SCN8A):c.928A>T (p.Thr310Ser)

Gene: SCN8A (sodium voltage-gated channel alpha subunit 8; plus strand). Cytogenetic location: 12q13.13.
Variant type: single nucleotide variant.
Coding change: c.928A>T on transcript NM_001330260.2 (MANE Select); coding-DNA position 928, A replaced by T.
Protein change: p.Thr310Ser; replaces threonine 310 with serine.
Molecular consequence: missense variant.
Genome position (GRCh38, 1-based): chr12:51,699,791, A>T. VCF-style: chr12-51699791-A-T. GRCh37 (hg19) VCF-style: chr12-52093575-A-T.
Other names: c.928A>T, p.Thr310Ser (NM_001177984.3, NM_001369788.1, NM_014191.4); short protein forms T310S.
Identifiers: ClinVar variation 4855491 (VCV004855491.1).
Genomic context (GRCh38, chr12:51,699,791, plus strand): 5'-GAGAGCTATCTTGAAAATGGCACCAAAGGCTTTGATTGGGAAGAGTATATCAACAATAAA[A>T]GTAGGTGGCCTCTTCTCTGCAAGAGGAATAGGAAAAGTCTATTCCTAGTTCACATGGTCA-3'
Protein context (NP_001317189.1, residues 300-320): FDWEEYINNK[Thr310Ser]NFYTVPGMLE

ClinVar aggregate classification (germline): Uncertain significance (1 of 4 stars; one submission).

Conditions:
SCN8A-related disorder.

Submission:

3billion
Classification: Uncertain significance for SCN8A-related disorder. Last evaluated: 2025-08-02. Review status: criteria provided, single submitter. Criteria: ACMG Guidelines, 2015. Collection method: clinical testing. Allele origin: germline. Affected: yes.
Comment: The variant is not observed in the gnomAD v4.1.0 dataset. Predicted Consequence/Location: Missense variant Damaging effect on gene or gene product predicted by in silico programs is uncertain [REVEL: 0.24 (damaging >=0.6, benign <0.4), 3Cnet: 0.64 (damaging >0.75, benign <0.1)]. Therefore, this variant is classified as VUS according to the recommendation of ACMG/AMP guideline.